The following is an entry in ClinVar:

NM_032447.5(FBN3):c.2394C>T (p.Asp798=)

Gene: FBN3 (fibrillin 3; minus strand). Cytogenetic location: 19p13.2.
Variant type: single nucleotide variant.
Coding change: c.2394C>T on transcript NM_032447.5 (MANE Select); coding-DNA position 2394, C replaced by T.
Protein change: p.Asp798=; no amino-acid change (aspartic acid 798 retained).
Molecular consequence: synonymous variant.
Genome position (GRCh38, 1-based): chr19:8,126,735, G>A on the plus strand (C>T on the coding strand, the complement: FBN3 is on the minus strand). VCF-style: chr19-8126735-G-A. GRCh37 (hg19) VCF-style: chr19-8191619-G-A.
Other names: c.2394C>T, p.Asp798= (NM_001321431.2).
Identifiers: ClinVar variation 1917885 (VCV001917885.29), dbSNP rs199916243, ClinGen allele CA304943278.

ClinVar aggregate classification (germline): Likely benign. Review status: criteria provided, multiple submitters, no conflicts (2 of 4 stars). 2 submissions from 2 submitters: Likely benign (2). Last evaluated 2024-04-26.

Allele frequency attached by ClinVar (database versions not stated): TOPMed below 0.00001; gnomAD exomes 0.00001.
gnomAD v4.1: 6 of 1,587,994 alleles (0.00038%); highest among the groups gnomAD compares: Admixed American, 0.0018%; no homozygotes.

Submissions (2):

Labcorp Genetics (formerly Invitae), Labcorp
Classification: Likely benign. Last evaluated: 2024-04-26. Review status: criteria provided, single submitter. Criteria: Invitae Variant Classification Sherloc (09022015). Collection method: clinical testing. Allele origin: germline.

CeGaT Center for Human Genetics Tuebingen
Classification: Likely benign. Last evaluated: 2023-01-01. Review status: criteria provided, single submitter. Criteria: CeGaT Center For Human Genetics Tuebingen Variant Classification Criteria Version 2. Collection method: clinical testing. Allele origin: germline. Affected: yes. Observed: 1 variant allele.
Comment: FBN3: BP4, BP7